The following is an entry in ClinVar:

NM_014915.3(ANKRD26):c.582G>A (p.Met194Ile)

Gene: ANKRD26 (ankyrin repeat domain containing 26; minus strand). Cytogenetic location: 10p12.1.
Variant type: single nucleotide variant.
Coding change: c.582G>A on transcript NM_014915.3 (MANE Select); coding-DNA position 582, G replaced by A.
Protein change: p.Met194Ile; replaces methionine 194 with isoleucine.
Molecular consequence: missense variant.
Genome position (GRCh38, 1-based): chr10:27,092,462, C>T on the plus strand (G>A on the coding strand, the complement: ANKRD26 is on the minus strand). VCF-style: chr10-27092462-C-T. GRCh37 (hg19) VCF-style: chr10-27381391-C-T.
Other names: c.582G>A, p.Met194Ile (NM_001256053.2); short protein forms M194I.
Identifiers: ClinVar variation 4102727 (VCV004102727.1).

ClinVar aggregate classification (germline): Uncertain significance (1 of 4 stars; one submission).

Conditions:
Inborn genetic diseases. Identifiers: MedGen C0950123, MeSH D030342.

Submission:

Ambry Genetics
Classification: Uncertain significance for Inborn genetic diseases. Last evaluated: 2025-07-14. Review status: criteria provided, single submitter. Criteria: Ambry Variant Classification Scheme 2023. Collection method: clinical testing. Allele origin: germline.
Comment: The p.M194I variant (also known as c.582G>A), located in coding exon 4 of the ANKRD26 gene, results from a G to A substitution at nucleotide position 582. The methionine at codon 194 is replaced by isoleucine, an amino acid with highly similar properties. This amino acid position is conserved. In addition, this alteration is predicted to be tolerated by in silico analysis. Based on the available evidence, the clinical significance of this variant remains unclear.